The following is an entry in ClinVar:

NM_031935.3(HMCN1):c.12770A>G (p.His4257Arg)

Gene: HMCN1 (hemicentin 1; plus strand). Cytogenetic location: 1q31.1.
Variant type: single nucleotide variant.
Coding change: c.12770A>G on transcript NM_031935.3 (MANE Select); coding-DNA position 12770, A replaced by G.
Protein change: p.His4257Arg; replaces histidine 4257 with arginine.
Molecular consequence: missense variant.
Genome position (GRCh38, 1-based): chr1:186,128,157, A>G. VCF-style: chr1-186128157-A-G. GRCh37 (hg19) VCF-style: chr1-186097289-A-G.
Other names: short protein forms H4257R.
Identifiers: ClinVar variation 4271231 (VCV004271231.2).

ClinVar aggregate classification (germline): Uncertain significance. Review status: criteria provided, multiple submitters, no conflicts (2 of 4 stars). 2 submissions from 2 submitters: Uncertain significance (2). Last evaluated 2025-10-23.

gnomAD v4.1: 18 of 1,613,580 alleles (0.0011%); highest among the groups gnomAD compares: Non-Finnish European, 0.0014%; no homozygotes.

Submissions (2):

Labcorp Genetics (formerly Invitae), Labcorp
Classification: Uncertain significance. Last evaluated: 2025-10-23. Review status: criteria provided, single submitter. Criteria: Invitae Variant Classification Sherloc (09022015). Collection method: clinical testing. Allele origin: germline.
Comment: This sequence change replaces histidine, which is basic and polar, with arginine, which is basic and polar, at codon 4257 of the HMCN1 protein (p.His4257Arg). This variant is present in population databases (rs778613390, gnomAD 0.002%). This variant has not been reported in the literature in individuals affected with HMCN1-related conditions. ClinVar contains an entry for this variant (Variation ID: 4271231). An algorithm developed to predict the effect of missense changes on protein structure and function (PolyPhen-2) suggests that this variant is likely to be tolerated. In summary, the available evidence is currently insufficient to determine the role of this variant in disease. Therefore, it has been classified as a Variant of Uncertain Significance.

Ambry Genetics
Classification: Uncertain significance. Last evaluated: 2025-09-10. Review status: criteria provided, single submitter. Criteria: Ambry Variant Classification Scheme 2023. Collection method: clinical testing. Allele origin: germline.